The following is an entry in ClinVar:

ClinVar aggregate classification (germline): Uncertain significance (1 of 4 stars; one submission).

Conditions:
Candidiasis, familial, 9 (CANDF9). Identifiers: Orphanet 1334, MedGen C4225324, MONDO:0014642, OMIM 616445.

gnomAD v4.1: 12 of 1,612,840 alleles (0.00074%); highest among the groups gnomAD compares: Admixed American, 0.0017%; no homozygotes.

Submission:

Labcorp Genetics (formerly Invitae), Labcorp
Classification: Uncertain significance for Candidiasis, familial, 9. Last evaluated: 2025-12-10. Review status: criteria provided, single submitter. Criteria: Invitae Variant Classification Sherloc (09022015). Collection method: clinical testing. Allele origin: germline.
Comment: This sequence change replaces valine, which is neutral and non-polar, with methionine, which is neutral and non-polar, at codon 721 of the IL17RC protein (p.Val721Met). The frequency data for this variant in the population databases is considered unreliable, as metrics indicate poor data quality at this position in the gnomAD database. This variant has not been reported in the literature in individuals affected with IL17RC-related conditions. An algorithm developed to predict the effect of missense changes on protein structure and function (PolyPhen-2) suggests that this variant is likely to be disruptive. In summary, the available evidence is currently insufficient to determine the role of this variant in disease. Therefore, it has been classified as a Variant of Uncertain Significance.

NM_153460.4(IL17RC):c.1948G>A (p.Val650Met)

Gene: IL17RC (interleukin 17 receptor C; plus strand). Cytogenetic location: 3p25.3.
Variant type: single nucleotide variant.
Coding change: c.1948G>A on transcript NM_153460.4 (MANE Select); coding-DNA position 1948, G replaced by A.
Protein change: p.Val650Met; replaces valine 650 with methionine.
Molecular consequence: missense variant. On other transcripts: non-coding transcript variant (1).
Genome position (GRCh38, 1-based): chr3:9,933,378, G>A. VCF-style: chr3-9933378-G-A. GRCh37 (hg19) VCF-style: chr3-9975062-G-A.
Other names: c.1909G>A, p.Val637Met (NM_001203263.2); c.1858G>A, p.Val620Met (NM_001203264.2); c.1852G>A, p.Val618Met (NM_001203265.2); c.1870G>A, p.Val624Met (NM_001367278.1); c.1789G>A, p.Val597Met (NM_001367279.1); c.1864G>A, p.Val622Met (NM_001367280.1); c.1813G>A, p.Val605Met (NM_001410711.1); c.1903G>A, p.Val635Met (NM_032732.6); and 1 more; short protein forms V605M, V620M, V622M, V650M, V635M, V721M, V597M, V618M.
Identifiers: ClinVar variation 4703797 (VCV004703797.1).